The following is an entry in ClinVar:

NM_003859.3(DPM1):c.11T>G (p.Leu4Trp)

Genes: DPM1 (dolichyl-phosphate mannosyltransferase subunit 1, catalytic; minus strand), LOC130066166 (ATAC-STARR-seq lymphoblastoid active region 18108; plus strand). Cytogenetic location: 20q13.13.
Variant type: single nucleotide variant.
Coding change: c.11T>G on transcript NM_003859.3 (MANE Select); coding-DNA position 11, T replaced by G.
Protein change: p.Leu4Trp; replaces leucine 4 with tryptophan.
Molecular consequence: missense variant. On other transcripts: non-coding transcript variant (1).
Genome position (GRCh38, 1-based): chr20:50,958,513, A>C on the plus strand (T>G on the coding strand, the complement: DPM1 is on the minus strand). VCF-style: chr20-50958513-A-C. GRCh37 (hg19) VCF-style: chr20-49575050-A-C.
Other names: c.11T>G (NM_003859.2); c.11T>G, p.Leu4Trp (NM_001317034.1, NM_001317035.1, NM_001317036.1); short protein forms L4W.
Identifiers: ClinVar variation 1478584 (VCV001478584.4), dbSNP rs146935617, ClinGen allele CA9909280.

ClinVar aggregate classification (germline): Uncertain significance. Review status: criteria provided, multiple submitters, no conflicts (2 of 4 stars). 2 submissions from 2 submitters: Uncertain significance (2). Last evaluated 2026-07-14.

Conditions:
Congenital disorder of glycosylation type 1E (CDG1E). Also called: CDG Ie; CONGENITAL DISORDER OF GLYCOSYLATION, TYPE Ie. Identifiers: Orphanet 79322, MedGen C1837396, MONDO:0012123, OMIM 608799.
DPM1-related disorder. Also called: DPM1-related condition.

Allele frequency attached by ClinVar (database versions not stated): gnomAD exomes 0.00002 and 0.00004; ExAC 0.00004; ESP Exome Variant Server 0.00015; 1000 Genomes Project 30x 0.00016; 1000 Genomes Project 0.00020.

Submissions (2):

PreventionGenetics, part of Exact Sciences
Classification: Uncertain significance for DPM1-related condition. Last evaluated: 2026-07-14. Review status: criteria provided, single submitter. Criteria: ACMG Guidelines, 2015. Collection method: clinical testing. Allele origin: germline.
Comment: The DPM1 c.11T>G variant is predicted to result in the amino acid substitution p.Leu4Trp. To our knowledge, this variant has not been reported in the literature. This variant is reported in 0.036% of alleles in individuals of African descent in gnomAD. At this time, the clinical significance of this variant is uncertain due to the absence of conclusive functional and genetic evidence.

Labcorp Genetics (formerly Invitae), Labcorp
Classification: Uncertain significance for Congenital disorder of glycosylation type 1E. Last evaluated: 2022-07-20. Review status: criteria provided, single submitter. Criteria: Invitae Variant Classification Sherloc (09022015). Collection method: clinical testing. Allele origin: germline.
Comment: This sequence change replaces leucine, which is neutral and non-polar, with tryptophan, which is neutral and slightly polar, at codon 4 of the DPM1 protein (p.Leu4Trp). This variant is present in population databases (rs146935617, gnomAD 0.03%). This variant has not been reported in the literature in individuals affected with DPM1-related conditions. ClinVar contains an entry for this variant (Variation ID: 1478584). Algorithms developed to predict the effect of missense changes on protein structure and function are either unavailable or do not agree on the potential impact of this missense change (SIFT: "Tolerated"; PolyPhen-2: "Not Available"; Align-GVGD: "Class C0"). In summary, the available evidence is currently insufficient to determine the role of this variant in disease. Therefore, it has been classified as a Variant of Uncertain Significance.